The following is an entry in ClinVar:

ClinVar aggregate classification (germline): Uncertain significance (1 of 4 stars; one submission).

Conditions:
NPC1-related disorder. Also called: NPC1-related condition.

Submission:

PreventionGenetics, part of Exact Sciences
Classification: Uncertain significance for NPC1-related condition. Last evaluated: 2025-11-21. Review status: criteria provided, single submitter. Criteria: ACMG Guidelines, 2015. Collection method: clinical testing. Allele origin: germline.
Comment: The NPC1 c.563A>C variant is predicted to result in the amino acid substitution p.Asn188Thr. To our knowledge, this variant has not been reported in the literature or in a large population database (gnomAD), indicating this variant is rare. At this time, the clinical significance of this variant is uncertain due to the absence of conclusive functional and genetic evidence.

NM_000271.5(NPC1):c.563A>C (p.Asn188Thr)

Gene: NPC1 (NPC intracellular cholesterol transporter 1; minus strand). Cytogenetic location: 18q11.2.
Variant type: single nucleotide variant.
Coding change: c.563A>C on transcript NM_000271.5 (MANE Select); coding-DNA position 563, A replaced by C.
Protein change: p.Asn188Thr; replaces asparagine 188 with threonine.
Molecular consequence: missense variant.
Genome position (GRCh38, 1-based): chr18:23,561,428, T>G on the plus strand (A>C on the coding strand, the complement: NPC1 is on the minus strand). VCF-style: chr18-23561428-T-G. GRCh37 (hg19) VCF-style: chr18-21141392-T-G.
Other names: short protein forms N188T.
Identifiers: ClinVar variation 4994834 (VCV004994834.1).